The following is an entry in ClinVar:

ClinVar aggregate classification (germline): Pathogenic (1 of 4 stars; one submission).

Conditions:
Pigmentary pallidal degeneration (NBIA1). Also called: Pantothenate Kinase-Associated Neurodegeneration; Neuroaxonal dystrophy, late infantile; Hallervorden-Spatz disease; HARP SYNDROME; PKAN NEUROAXONAL DYSTROPHY, JUVENILE-ONSET; Neurodegeneration with brain iron accumulation 1. Identifiers: Orphanet 157850, MedGen C0018523, MONDO:0009319, OMIM 234200.

Submission:

Labcorp Genetics (formerly Invitae), Labcorp
Classification: Pathogenic for Pigmentary pallidal degeneration. Last evaluated: 2023-03-27. Review status: criteria provided, single submitter. Criteria: Invitae Variant Classification Sherloc (09022015). Collection method: clinical testing. Allele origin: germline.
Comment: For these reasons, this variant has been classified as Pathogenic. This variant has not been reported in the literature in individuals affected with PANK2-related conditions. This variant is a gross deletion of the genomic region encompassing exon(s) 2 of the PANK2 gene. This deletion is out-of-frame, and is expected to create a premature termination codon and result in an absent or disrupted protein product. Loss-of-function variants in PANK2 are known to be pathogenic (PMID: 11479594, 12510040).

Literature cited by the submitters: PubMed 11479594; PubMed 12510040.

NC_000020.10:g.(?_3888553)_(3888945_?)del

Gene: PANK2 (pantothenate kinase 2; plus strand). Cytogenetic location: 20p13.
Variant type: Deletion.
Identifiers: ClinVar variation 2427434 (VCV002427434.4).